The following is an entry in ClinVar:

ClinVar aggregate classification (germline): Benign. Review status: criteria provided, multiple submitters, no conflicts (2 of 4 stars). 12 submissions from 12 submitters: Benign (11). 1 of the submissions does not count toward it. Last evaluated 2026-02-03.

Conditions:
Heterotopia, periventricular, X-linked dominant (PVNH1). Also called: PERIVENTRICULAR NODULAR HETEROTOPIA 4; HETEROTOPIA, PERIVENTRICULAR, 1; X-linked periventricular heterotopia; PERIVENTRICULAR NODULAR HETEROTOPIA 1. Identifiers: Orphanet 2149, Orphanet 82004, MedGen C1848213, MONDO:0010233, OMIM 300049.
Melnick-Needles syndrome (MNS). Also called: Melnick-Needles Syndrome (FLNA-MNS); MELNICK-NEEDLES OSTEODYSPLASTY; OSTEODYSPLASTY OF MELNICK AND NEEDLES. Identifiers: Orphanet 2484, MedGen C0025237, MONDO:0010650, OMIM 309350.
Oto-palato-digital syndrome, type II (OPD2). Also called: Otopalatodigital Syndrome Type 2 (FLNA-OPD2); FACIOPALATOOSSEOUS SYNDROME; OPD II SYNDROME; Otopalatodigital Syndrome, Type II. Identifiers: Orphanet 669, Orphanet 90652, MedGen C1844696, MONDO:0010571, OMIM 304120.
Frontometaphyseal dysplasia (FMD1). Identifiers: Orphanet 1826, MedGen C0265293, MONDO:0015942.
Familial thoracic aortic aneurysm and aortic dissection (TAAD). Also called: Thoracic aortic aneurysms and dissections. Identifiers: Orphanet 91387, MedGen C4707243, MONDO:0019625.

Allele frequency attached by ClinVar (database versions not stated): gnomAD 0.00517 and 0.00452; TOPMed 0.00941; ExAC 0.01292; 1000 Genomes Project 0.01695; gnomAD exomes 0.01567; 1000 Genomes Project 30x 0.01727; ESP Exome Variant Server 0.00019.
gnomAD v4.1: 5,258 of 1,209,832 alleles (0.43%); highest among the groups gnomAD compares: Admixed American, 6.8%; 154 homozygotes.

Submissions (12):

Labcorp Genetics (formerly Invitae), Labcorp
Classification: Benign for Oto-palato-digital syndrome, type II; Heterotopia, periventricular, X-linked dominant; Frontometaphyseal dysplasia; Melnick-Needles syndrome. Last evaluated: 2026-02-03. Review status: criteria provided, single submitter. Criteria: Invitae Variant Classification Sherloc (09022015). Collection method: clinical testing. Allele origin: germline.

ARUP Laboratories, Molecular Genetics and Genomics, ARUP Laboratories
Classification: Benign. Last evaluated: 2025-07-10. Review status: criteria provided, single submitter. Criteria: ARUP Molecular Germline Variant Investigation Process 2024. Collection method: clinical testing. Allele origin: germline.

Molecular Diagnostic Laboratory for Inherited Cardiovascular Disease, Montreal Heart Institute
Classification: Benign. Last evaluated: 2025-04-09. Review status: criteria provided, single submitter. Criteria: ACMG Guidelines, 2015. Collection method: clinical testing. Allele origin: germline. Affected: no.
Comment: BS1;BP6;BP7

Athena Diagnostics
Classification: Benign. Last evaluated: 2024-01-12. Review status: criteria provided, single submitter. Criteria: Athena Diagnostics Criteria. Collection method: clinical testing. Allele origin: unknown.

Mayo Clinic Laboratories, Mayo Clinic
Classification: Benign. Last evaluated: 2023-12-07. Review status: criteria provided, single submitter. Criteria: ACMG Guidelines, 2015. Collection method: clinical testing. Allele origin: germline. Observed: 76 variant alleles.

Women's Health and Genetics/Laboratory Corporation of America, LabCorp
Classification: Benign. Last evaluated: 2023-07-21. Review status: criteria provided, single submitter. Criteria: LabCorp Variant Classification Summary - May 2015. Collection method: clinical testing. Allele origin: germline.

Eurofins Ntd Llc (ga)
Classification: Benign. Last evaluated: 2016-02-19. Review status: criteria provided, single submitter. Criteria: EGL Classification Definitions 2015. Collection method: clinical testing. Allele origin: germline. Observed: 3 variant alleles, 1 heterozygote, 2 hemizygotes.

Ambry Genetics
Classification: Benign for Familial thoracic aortic aneurysm and aortic dissection. Last evaluated: 2015-05-28. Review status: criteria provided, single submitter. Criteria: Ambry Variant Classification Scheme 2023. Collection method: clinical testing. Allele origin: germline.

GeneDx
Classification: Benign. Last evaluated: 2014-08-08. Review status: criteria provided, single submitter. Criteria: GeneDx Variant Classification (06012015). Collection method: clinical testing. Allele origin: germline. Affected: yes.
Comment: This variant is considered likely benign or benign based on one or more of the following criteria: it is a conservative change, it occurs at a poorly conserved position in the protein, it is predicted to be benign by multiple in silico algorithms, and/or has population frequency not consistent with disease.

Claritas Genomics
Classification: Benign. Last evaluated: 2014-03-03. Review status: criteria provided, single submitter. Criteria: ACMG Guidelines, 2007. Collection method: clinical testing. Allele origin: germline. Inheritance: X-linked inheritance.

Breakthrough Genomics
Classification: Benign. Review status: criteria provided, single submitter. Criteria: ACMG Guidelines, 2015. Collection method: not provided. Allele origin: germline. Inheritance: X-linked inheritance. Affected: yes.

Genetic Services Laboratory, University of Chicago
Classification: Likely benign for AllHighlyPenetrant. Review status: no assertion criteria provided. Collection method: clinical testing. Allele origin: germline. Inheritance: X-linked inheritance. Not counted in ClinVar's aggregate classification.
Comment: Likely benign based on allele frequency in 1000 Genomes Project or ESP global frequency and its presence in a patient with a rare or unrelated disease phenotype. NOT Sanger confirmed.

NM_001110556.2(FLNA):c.663C>T (p.Pro221=)

Gene: FLNA (filamin A; minus strand). Cytogenetic location: Xq28.
Variant type: single nucleotide variant.
Coding change: c.663C>T on transcript NM_001110556.2 (MANE Select); coding-DNA position 663, C replaced by T.
Protein change: p.Pro221=; no amino-acid change (proline 221 retained).
Molecular consequence: synonymous variant.
Genome position (GRCh38, 1-based): chrX:154,367,698, G>A on the plus strand (C>T on the coding strand, the complement: FLNA is on the minus strand). VCF-style: chrX-154367698-G-A. GRCh37 (hg19) VCF-style: chrX-153596066-G-A.
Other names: p.P221P:CCC>CCT; p.Pro221=; c.663C>T, p.Pro221= (NM_001456.4).
Identifiers: ClinVar variation 93771 (VCV000093771.75), dbSNP rs2073470, ClinGen allele CA288871.